The following is an entry in ClinVar:

ClinVar aggregate classification (germline): Benign (1 of 4 stars; one submission).

Conditions:
Hypomyelination and Congenital Cataract (HLD5). Also called: hypomyelinating leukodystrophy 5. Identifiers: Orphanet 85163, MedGen C1864663, MONDO:0012514, OMIM 610532.

Allele frequency attached by ClinVar (database versions not stated): 1000 Genomes Project 30x 0.64741; 1000 Genomes Project 0.65296; TOPMed 0.66576; gnomAD 0.67241 and 0.67429; gnomAD exomes 0.71252.
gnomAD v4.1: 186,787 of 270,386 alleles (69%); highest among the groups gnomAD compares: South Asian, 74%; 65,096 homozygotes.

Submission:

Illumina Laboratory Services, Illumina
Classification: Benign for Hypomyelination and Congenital Cataract. Last evaluated: 2018-01-12. Review status: criteria provided, single submitter. Criteria: ICSL Variant Classification Criteria 13 December 2019. Collection method: clinical testing. Allele origin: germline.
Comment: This variant was observed in the ICSL laboratory as part of a predisposition screen in an ostensibly healthy population. It had not been previously curated by ICSL or reported in the Human Gene Mutation Database (HGMD: prior to June 1st, 2018), and was therefore a candidate for classification through an automated scoring system. Utilizing variant allele frequency, disease prevalence and penetrance estimates, and inheritance mode, an automated score was calculated to assess if this variant is too frequent to cause the disease. Based on the score and internal cut-off values, a variant classified as benign is not then subjected to further curation. The score for this variant resulted in a classification of benign for this disease.

NM_032581.4(HYCC1):c.*384A>G

Gene: HYCC1 (hyccin PI4KA lipid kinase complex subunit 1; minus strand). Cytogenetic location: 7p15.3.
Variant type: single nucleotide variant.
Coding change: c.*384A>G on transcript NM_032581.4 (MANE Select); 384 bases downstream of the stop codon, A replaced by G.
Molecular consequence: 3 prime UTR variant.
Genome position (GRCh38, 1-based): chr7:22,945,205, T>C on the plus strand (A>G on the coding strand, the complement: HYCC1 is on the minus strand). VCF-style: chr7-22945205-T-C. GRCh37 (hg19) VCF-style: chr7-22984824-T-C.
Other names: c.*986A>G (NM_001363466.2); c.*944A>G (NM_001363467.2).
Identifiers: ClinVar variation 359760 (VCV000359760.5), dbSNP rs2286494, ClinGen allele CA10623676.